The following is an entry in ClinVar:

NM_000092.5(COL4A4):c.3142G>C (p.Gly1048Arg)

Gene: COL4A4 (collagen type IV alpha 4 chain; minus strand). Cytogenetic location: 2q36.3.
Variant type: single nucleotide variant.
Coding change: c.3142G>C on transcript NM_000092.5 (MANE Select); coding-DNA position 3142, G replaced by C.
Protein change: p.Gly1048Arg; replaces glycine 1048 with arginine.
Molecular consequence: missense variant.
Genome position (GRCh38, 1-based): chr2:227,050,985, C>G on the plus strand (G>C on the coding strand, the complement: COL4A4 is on the minus strand). VCF-style: chr2-227050985-C-G. GRCh37 (hg19) VCF-style: chr2-227915701-C-G.
Other names: short protein forms G1048R.
Identifiers: ClinVar variation 4531829 (VCV004531829.1).

ClinVar aggregate classification (germline): Likely pathogenic (1 of 4 stars; one submission).

Conditions:
Alport syndrome. Also called: Hemorrhagic familial nephritis; Hemorrhagic hereditary nephritis; Congenital hereditary hematuria. Identifiers: Orphanet 63, MedGen C1567741, MONDO:0018965.

Submission:

Victorian Clinical Genetics Services, Murdoch Childrens Research Institute
Classification: Likely pathogenic for Alport syndrome. Last evaluated: 2025-08-18. Review status: criteria provided, single submitter. Criteria: ACMG Guidelines, 2015. Collection method: clinical testing. Allele origin: germline. Affected: yes.
Comment: This variant is classified as Likely pathogenic. Evidence in support of pathogenic classification: Variant is absent from gnomAD (v2, v3 and v4); Other missense variant(s) comparable to the one identified in this case have moderate previous evidence for pathogenicity. p.(Gly1048Asp) has been reported in the literature in an individual with global glomerulosclerosis (PMID: 31738409). p.(Gly1048Cys) has been classified as a VUS and as likely pathogenic by clinical laboratories in ClinVar; Variant is located in the well-established functional Gly-X-Y motif (DECIPHER); Missense variant predicted to be damaging by in silico tool(s) or highly conserved with a major amino acid change. Additional information: Variant is predicted to result in a missense amino acid change from Gly to Arg; This variant is heterozygous; This gene is associated with both recessive and dominant disease. Alport syndrome typically has biallelic inheritance, although rare cases of monoallelic inheritance have been reported (PMID: 28704582). Thin basement membrane nephropathy (TBMN) and focal segmental glomerulosclerosis (FSGS) are associated with autosomal dominant inheritance (OMIM, PMIDs: 16467446, 17942953); Alternative amino acid change(s) at the same position are present in gnomAD (highest allele count: v4: 1 heterozygote(s), 0 homozygote(s)); This variant has no previous evidence of pathogenicity; No published evidence of segregation with disease has been identified for this variant; No published functional evidence has been identified for this variant; Loss of function is a known mechanism of disease for this gene and is associated with Alport syndrome. Dominant negative is a suspected mechanism of disease for this gene as it is a structural protein (PMIDs: 12028435, 24046192); Inheritance information for this variant is not currently available in this individual.

Literature cited by the submitters: PubMed 24046192; PubMed 16467446; PubMed 12028435; PubMed 28704582; PubMed 17942953; PubMed 31738409.